The following is an entry in ClinVar:

ClinVar aggregate classification (germline): Uncertain significance (1 of 4 stars; one submission).

Conditions:
Leukocyte adhesion deficiency 1 (LAD1). Also called: LEUKOCYTE ADHESION DEFICIENCY, TYPE I; LAD 1; Lymphocyte function-associated antigen 1 immunodeficiency; LFA 1 immunodeficiency. Identifiers: Orphanet 2968, Orphanet 99842, MedGen C0398738, MONDO:0007293, OMIM 116920.

gnomAD v4.1: 6 of 1,613,418 alleles (0.00037%); highest among the groups gnomAD compares: Non-Finnish European, 0.00042%; no homozygotes.

Submission:

Labcorp Genetics (formerly Invitae), Labcorp
Classification: Uncertain significance for Leukocyte adhesion deficiency 1. Last evaluated: 2019-04-24. Review status: criteria provided, single submitter. Criteria: Invitae Variant Classification Sherloc (09022015). Collection method: clinical testing. Allele origin: germline.
Comment: This sequence change replaces arginine with proline at codon 429 of the ITGB2 protein (p.Arg429Pro). The arginine residue is highly conserved and there is a moderate physicochemical difference between arginine and proline. This variant is not present in population databases (ExAC no frequency). This variant has not been reported in the literature in individuals with ITGB2-related conditions. Algorithms developed to predict the effect of missense changes on protein structure and function (SIFT, PolyPhen-2, Align-GVGD) all suggest that this variant is likely to be disruptive, but these predictions have not been confirmed by published functional studies and their clinical significance is uncertain. In summary, the available evidence is currently insufficient to determine the role of this variant in disease. Therefore, it has been classified as a Variant of Uncertain Significance.

NM_000211.5(ITGB2):c.1286G>C (p.Arg429Pro)

Gene: ITGB2 (integrin subunit beta 2; minus strand). Cytogenetic location: 21q22.3.
Variant type: single nucleotide variant.
Coding change: c.1286G>C on transcript NM_000211.5 (MANE Select); coding-DNA position 1286, G replaced by C.
Protein change: p.Arg429Pro; replaces arginine 429 with proline.
Molecular consequence: missense variant.
Genome position (GRCh38, 1-based): chr21:44,891,935, C>G on the plus strand (G>C on the coding strand, the complement: ITGB2 is on the minus strand). VCF-style: chr21-44891935-C-G. GRCh37 (hg19) VCF-style: chr21-46311850-C-G.
Other names: c.1286G>C, p.Arg429Pro (NM_001127491.3); c.1079G>C, p.Arg360Pro (NM_001303238.2); short protein forms R360P, R429P.
Identifiers: ClinVar variation 851564 (VCV000851564.10), dbSNP rs775531955, ClinGen allele CA410485394.